The following is an entry in ClinVar:

NC_000017.11:g.(?_15239461)_(15260737_?)del

Genes: MIR4731 (microRNA 4731; minus strand), PMP22 (peripheral myelin protein 22; minus strand). Cytogenetic location: 17p12.
Variant type: Deletion.
Identifiers: ClinVar variation 656830 (VCV000656830.1).

ClinVar aggregate classification (germline): Pathogenic (1 of 4 stars; one submission).

Conditions:
Charcot-Marie-Tooth disease, type I (CMT1). Also called: Charcot-Marie-Tooth disease type 1; Charcot-Marie-Tooth, Type 1. Identifiers: Orphanet 65753, MedGen C0751036, MONDO:0019011.

Submission:

Labcorp Genetics (formerly Invitae), Labcorp
Classification: Pathogenic for Charcot-Marie-Tooth disease, type I. Last evaluated: 2018-09-04. Review status: criteria provided, single submitter. Criteria: Invitae Variant Classification Sherloc (09022015). Collection method: clinical testing. Allele origin: germline.
Comment: A gross deletion of the genomic region encompassing the full coding sequence of the PMP22 gene has been identified. The boundaries of this event are unknown as the deletion extends beyond the assayed region for this gene and therefore may encompass additional genes. Approximately 80% of individuals with hereditary neuropathy with liability to pressure palsies (HNPP) have a 1.5Mb deletion at 17p11.2 (which includes PMP22) on one chromosome (PMID: 8894410,Â¬â€ 20301566). Because deletions of PMP22 are a known mechanism of disease in HNPP, this sequence change has been classified as Pathogenic.

Literature cited by the submitters: PubMed 8894410.